The following is an entry in ClinVar:

NM_001267550.2(TTN):c.44089G>A (p.Glu14697Lys)

Gene: TTN (titin; minus strand). Cytogenetic location: 2q31.2.
Variant type: single nucleotide variant.
Coding change: c.44089G>A on transcript NM_001267550.2 (MANE Select); coding-DNA position 44089, G replaced by A.
Protein change: p.Glu14697Lys; replaces glutamic acid 14697 with lysine.
Molecular consequence: missense variant.
Genome position (GRCh38, 1-based): chr2:178,630,869, C>T on the plus strand (G>A on the coding strand, the complement: TTN is on the minus strand). VCF-style: chr2-178630869-C-T. GRCh37 (hg19) VCF-style: chr2-179495596-C-T.
Other names: c.39166G>A, p.Glu13056Lys (NM_001256850.1); c.16894G>A, p.Glu5632Lys (NM_003319.4); c.36385G>A, p.Glu12129Lys (NM_133378.4); c.17269G>A, p.Glu5757Lys (NM_133432.3); c.17470G>A, p.Glu5824Lys (NM_133437.4); short protein forms E12129K, E13056K, E14697K, E5632K, E5757K, E5824K.
Identifiers: ClinVar variation 2576870 (VCV002576870.1), dbSNP rs1356852922, ClinGen allele CA349646114.

ClinVar aggregate classification (germline): Uncertain significance (1 of 4 stars; one submission).

Allele frequency attached by ClinVar (database versions not stated): TOPMed 0.00002; gnomAD 0.00003.
gnomAD v4.1: 11 of 1,613,210 alleles (0.00068%); highest among the groups gnomAD compares: African/African-American, 0.0067%; no homozygotes.

Submission:

GeneDx
Classification: Uncertain significance. Last evaluated: 2023-02-16. Review status: criteria provided, single submitter. Criteria: GeneDx Variant Classification Process June 2021. Collection method: clinical testing. Allele origin: germline. Affected: yes.
Comment: Not observed at significant frequency in large population cohorts (gnomAD); Missense variant in a gene in which most reported pathogenic variants are truncating/loss of function; Has not been previously published as pathogenic or benign to our knowledge